The following is an entry in ClinVar:

NM_001159699.2(FHL1):c.340T>A (p.Ser114Thr)

Gene: FHL1 (four and a half LIM domains 1; plus strand). Cytogenetic location: Xq26.3.
Variant type: single nucleotide variant.
Coding change: c.340T>A on transcript NM_001159699.2 (MANE Select); coding-DNA position 340, T replaced by A.
Protein change: p.Ser114Thr; replaces serine 114 with threonine.
Molecular consequence: missense variant. On other transcripts: non-coding transcript variant (1).
Genome position (GRCh38, 1-based): chrX:136,207,151, T>A. VCF-style: chrX-136207151-T-A. GRCh37 (hg19) VCF-style: chrX-135289310-T-A.
Other names: c.292T>A, p.Ser98Thr (NM_001159700.2, NM_001159702.3, NM_001159703.2 and 9 more transcripts); c.379T>A, p.Ser127Thr (NM_001159701.2); c.340T>A, p.Ser114Thr (NM_001330659.2); short protein forms S98T, S114T, S127T.
Identifiers: ClinVar variation 222634 (VCV000222634.15), dbSNP rs756434530, ClinGen allele CA075444.

ClinVar aggregate classification (germline): Conflicting classifications of pathogenicity. Review status: criteria provided, conflicting classifications (1 of 4 stars). 4 submissions from 4 submitters: Uncertain significance (2); Likely benign (2). Last evaluated 2026-04-27.

Conditions:
Cardiovascular phenotype. Identifiers: MedGen CN230736.
FHL1-related disorder. Also called: FHL1-related condition; FHL1-related disorders.
X-linked myopathy with postural muscle atrophy. Also called: FHL1-Related Emery-Dreifuss Muscular Dystrophy, X-Linked. Identifiers: Orphanet 178461, MedGen C2678055, MONDO:0010401, OMIM 300696.

Allele frequency attached by ClinVar (database versions not stated): ExAC 0.00004; gnomAD exomes 0.00004 and 0.00006; gnomAD 0.00002 and 0.00003; TOPMed 0.00003.
gnomAD v4.1: 46 of 1,208,261 alleles (0.0038%); highest among the groups gnomAD compares: Admixed American, 0.011%; no homozygotes.

Submissions (4):

Ambry Genetics
Classification: Likely benign for Cardiovascular phenotype. Last evaluated: 2026-04-27. Review status: criteria provided, single submitter. Criteria: Ambry Variant Classification Scheme 2023. Collection method: clinical testing. Allele origin: germline.

PreventionGenetics, part of Exact Sciences
Classification: Uncertain significance for FHL1-related condition. Last evaluated: 2025-10-20. Review status: criteria provided, single submitter. Criteria: ACMG Guidelines, 2015. Collection method: clinical testing. Allele origin: germline.
Comment: The FHL1 c.292T>A variant is predicted to result in the amino acid substitution p.Ser98Thr. To our knowledge, this variant has not been reported in the literature. This variant is reported in 0.021% of alleles in individuals of Latino descent in gnomAD, including 4 hemizygotes. Although we suspect that this variant may be benign, at this time, the clinical significance of this variant is uncertain due to the absence of conclusive functional and genetic evidence.

Labcorp Genetics (formerly Invitae), Labcorp
Classification: Uncertain significance for X-linked myopathy with postural muscle atrophy. Last evaluated: 2025-08-21. Review status: criteria provided, single submitter. Criteria: Invitae Variant Classification Sherloc (09022015). Collection method: clinical testing. Allele origin: germline.
Comment: This sequence change replaces serine, which is neutral and polar, with threonine, which is neutral and polar, at codon 98 of the FHL1 protein (p.Ser98Thr). This variant is present in population databases (rs756434530, gnomAD 0.02%). This variant has not been reported in the literature in individuals affected with FHL1-related conditions. ClinVar contains an entry for this variant (Variation ID: 222634). An algorithm developed to predict the effect of missense changes on protein structure and function (PolyPhen-2) suggests that this variant is likely to be tolerated. In summary, the available evidence is currently insufficient to determine the role of this variant in disease. Therefore, it has been classified as a Variant of Uncertain Significance.

Blueprint Genetics
Classification: Likely benign. Last evaluated: 2020-02-21. Review status: criteria provided, single submitter. Criteria: ACMG Guidelines, 2015. Collection method: clinical testing. Allele origin: germline.

Literature cited by the submitters: PubMed 28518168 (cited by Ambry Genetics); PubMed 32461654 (cited by Ambry Genetics).